The following is an entry in ClinVar:

ClinVar aggregate classification (germline): Benign/Likely benign. Review status: criteria provided, multiple submitters, no conflicts (2 of 4 stars). 2 submissions from 2 submitters: Benign (1); Likely benign (1). Last evaluated 2026-04-22.

Conditions:
Colorectal cancer, susceptibility to, 1. Also called: COLORECTAL ADENOMA AND CANCER, SUSCEPTIBILITY TO; COLORECTAL CANCER, SUSCEPTIBILITY TO, ON CHROMOSOME 9. Identifiers: MedGen C1837315, MONDO:0012132, OMIM 608812.

Allele frequency attached by ClinVar (database versions not stated): gnomAD 0.00001; TOPMed below 0.00001.

Submissions (2):

Myriad Genetics, Inc.
Classification: Benign for Colorectal cancer, susceptibility to, 1. Last evaluated: 2026-04-22. Review status: criteria provided, single submitter. Criteria: Myriad Autosomal Dominant, Autosomal Recessive and X-Linked Classification Criteria (2023). Collection method: clinical testing. Allele origin: unknown.
Comment: This variant is considered benign. This variant is a silent/synonymous amino acid change and it is not expected to impact splicing.

Ambry Genetics
Classification: Likely benign. Last evaluated: 2021-12-30. Review status: criteria provided, single submitter. Criteria: Ambry Variant Classification Scheme 2023. Collection method: clinical testing. Allele origin: germline.

NM_024642.5(GALNT12):c.96G>T (p.Gly32=)

Genes: GALNT12 (polypeptide N-acetylgalactosaminyltransferase 12; plus strand), LOC130002222 (ATAC-STARR-seq lymphoblastoid silent region 20123; plus strand). Cytogenetic location: 9q22.33.
Variant type: single nucleotide variant.
Coding change: c.96G>T on transcript NM_024642.5 (MANE Select); coding-DNA position 96, G replaced by T.
Protein change: p.Gly32=; no amino-acid change (glycine 32 retained).
Molecular consequence: synonymous variant.
Genome position (GRCh38, 1-based): chr9:98,807,794, G>T. VCF-style: chr9-98807794-G-T. GRCh37 (hg19) VCF-style: chr9-101570076-G-T.
Identifiers: ClinVar variation 1767909 (VCV001767909.3), dbSNP rs1400207437, ClinGen allele CA466647343.
Genomic context (GRCh38, chr9:98,807,794, plus strand): 5'-GGAACTGCGGCGCGGCCGGGAGGCGCTGTTGGTGCTCCTGGCGCTACTGGCGTTGGCCGG[G>T]CTGGGCTCGGTGCTGCGGGCGCAGCGTGGGGCCGGGGCCGGGGCTGCCGAGCCGGGACCC-3'
Protein context (NP_078918.3, residues 22-42): LVLLALLALA[Gly32=]LGSVLRAQRG